The following is an entry in ClinVar:

ClinVar aggregate classification (germline): Pathogenic/Likely pathogenic. Review status: criteria provided, multiple submitters, no conflicts (2 of 4 stars). 2 submissions from 2 submitters: Pathogenic (1); Likely pathogenic (1). Last evaluated 2024-06-11.

Conditions:
Propionic acidemia (PROP). Also called: GLYCINEMIA, KETOTIC; HYPERGLYCINEMIA WITH KETOACIDOSIS AND LEUKOPENIA; KETOTIC HYPERGLYCINEMIA. Identifiers: Orphanet 35, MedGen C0268579, MONDO:0011628, OMIM 606054, HP:0003571.

Submissions (2):

Fulgent Genetics
Classification: Likely pathogenic for Propionic acidemia. Last evaluated: 2024-06-11. Review status: criteria provided, single submitter. Criteria: ACMG Guidelines, 2015. Collection method: clinical testing. Allele origin: germline.

Labcorp Genetics (formerly Invitae), Labcorp
Classification: Pathogenic for Propionic acidemia. Last evaluated: 2024-02-18. Review status: criteria provided, single submitter. Criteria: Invitae Variant Classification Sherloc (09022015). Collection method: clinical testing. Allele origin: germline.
Comment: This sequence change creates a premature translational stop signal (p.Gln147*) in the PCCB gene. It is expected to result in an absent or disrupted protein product. Loss-of-function variants in PCCB are known to be pathogenic (PMID: 15464417). This variant is not present in population databases (gnomAD no frequency). This variant has not been reported in the literature in individuals affected with PCCB-related conditions. For these reasons, this variant has been classified as Pathogenic.

Literature cited by the submitters: PubMed 15464417 (cited by Labcorp Genetics (formerly Invitae), Labcorp).

NM_000532.5(PCCB):c.439C>T (p.Gln147Ter)

Gene: PCCB (propionyl-CoA carboxylase subunit beta; plus strand). Cytogenetic location: 3q22.3.
Variant type: single nucleotide variant.
Coding change: c.439C>T on transcript NM_000532.5 (MANE Select); coding-DNA position 439, C replaced by T.
Protein change: p.Gln147Ter; replaces glutamine 147 with a stop codon.
Molecular consequence: nonsense.
Genome position (GRCh38, 1-based): chr3:136,261,961, C>T. VCF-style: chr3-136261961-C-T. GRCh37 (hg19) VCF-style: chr3-135980803-C-T.
Other names: c.499C>T, p.Gln167Ter (NM_001178014.2); short protein forms Q147*, Q167*.
Identifiers: ClinVar variation 2871319 (VCV002871319.4), dbSNP rs1941839852, ClinGen allele CA354739529.
Genomic context (GRCh38, chr3:136,261,961, plus strand): 5'-TTTTTATATCAAGAACATTTGTCTCAATAAAAGATTTCTCTGCTGTCTCAGATCATGGAC[C>T]AGGCCATAACGGTGGGGGCTCCAGTGATTGGGCTGAATGACTCTGGGGGAGCACGGATCC-3'